The following is an entry in ClinVar:

NM_000260.4(MYO7A):c.3050dup (p.Tyr1017Ter)

Gene: MYO7A (myosin VIIA; plus strand). Cytogenetic location: 11q13.5.
Variant type: Duplication.
Coding change: c.3050dup on transcript NM_000260.4 (MANE Select); coding-DNA position 3050, one base duplicated (A; older notation c.3050dupA).
Protein change: p.Tyr1017Ter; replaces tyrosine 1017 with a stop codon.
Molecular consequence: nonsense.
Genome position (GRCh38, 1-based): chr11:77,182,096, A duplicated. VCF-style (leftmost placement, unchanged base first): chr11-77182095-T-TA. GRCh37 (hg19) VCF-style: chr11-76893141-T-TA.
Other names: c.3050dup, p.Tyr1017Ter (NM_001127180.2); c.3017dup, p.Tyr1006Ter (NM_001369365.1); short protein forms Y1006*, Y1017*.
Identifiers: ClinVar variation 3601468 (VCV003601468.1).
Genomic context (GRCh38, chr11:77,182,095, plus strand): 5'-TCTGAGTATAAATTTGCCAAGTTCGCGGCCACCTACTTCCAGGGGACAACCACGCACTCC[T>TA]ACACCCGGCGGCCACTCAAACAGCCACTGCTCTACCATGACGACGAGGGTGACCAGCTGG-3'

ClinVar aggregate classification (germline): Pathogenic (1 of 4 stars; one submission).

Conditions:
Autosomal recessive nonsyndromic hearing loss 2. Also called: NEUROSENSORY NONSYNDROMIC RECESSIVE DEAFNESS 2; DEAFNESS, AUTOSOMAL RECESSIVE 2. Identifiers: Orphanet 90636, MedGen C1838701, MONDO:0010807, OMIM 600060.

Submission:

Institute of Rare Diseases, West China Hospital, Sichuan University
Classification: Pathogenic for Autosomal recessive nonsyndromic hearing loss 2. Last evaluated: 2025-01-09. Review status: criteria provided, single submitter. Criteria: ClinGen HL ACMG Specifications v1. Collection method: research. Allele origin: germline. Affected: yes.
Comment: PVS1;PP4;PM2_Supporting